The following is an entry in ClinVar:

NC_000023.10:g.(?_14861528)_(14891192_?)dup

Gene: FANCB (FA complementation group B; minus strand). Cytogenetic location: Xp22.2.
Variant type: Duplication.
Identifiers: ClinVar variation 1677158 (VCV001677158.1).

ClinVar aggregate classification (germline): Uncertain significance (1 of 4 stars; one submission).

Submission:

Women's Health and Genetics/Laboratory Corporation of America, LabCorp
Classification: Uncertain significance. Last evaluated: 2022-03-02. Review status: criteria provided, single submitter. Criteria: LabCorp Variant Classification Summary - May 2015. Collection method: clinical testing. Allele origin: germline.
Comment: Variant summary: The variant identified by MLPA or other technology involves the duplication of the entire FANCB gene. A presumed nomenclature of c.(?_-276)_(*161_?)dup has been designated for the purposes of this classification. It has been assumed that this is a tandem duplication in direct orientation (Richardson_GIM_2018, Newman_AJHG_2015). A duplication of a 448Kb genomic region encompassing the entire FANCB gene was found at a frequency of 0.00038 in 15814 control chromosomes, including 4 hemizygotes (gnomAD, Structural Variants dataset). The available data on variant occurrences in the general population are insufficient to allow any conclusion about variant significance. To our knowledge, no occurrence of c.(?_-276)_(*161_?)dup in individuals affected with Fanconi Anemia and no experimental evidence demonstrating its impact on protein function have been reported. A ClinVar submitter (evaluation after 2014) cites the variant as uncertain significance. Based on the evidence outlined above, the variant was classified as uncertain significance.